The following is an entry in ClinVar:

ClinVar aggregate classification (germline): Uncertain significance. Review status: criteria provided, multiple submitters, no conflicts (2 of 4 stars). 3 submissions from 3 submitters: Uncertain significance (2). 1 of the submissions does not count toward it. Last evaluated 2023-09-29.

Conditions:
Autosomal recessive limb-girdle muscular dystrophy type 2E (LGMDR4). Also called: MUSCULAR DYSTROPHY, LIMB-GIRDLE, AUTOSOMAL RECESSIVE 4. Identifiers: Orphanet 119, MedGen C1858593, MONDO:0011423, OMIM 604286. Disease mechanism: Affects gamma-sarcoglycan and also disrupts the integrity of the entire sarcoglycan complex..

Allele frequency attached by ClinVar (database versions not stated): gnomAD 0.00002; TOPMed 0.00002.
gnomAD v4.1: 5 of 1,292,824 alleles (0.00039%); highest among the groups gnomAD compares: Admixed American, 0.0091%; no homozygotes.

Submissions (3):

Revvity Omics, Revvity
Classification: Uncertain significance for Autosomal recessive limb-girdle muscular dystrophy type 2E. Last evaluated: 2023-09-29. Review status: criteria provided, single submitter. Criteria: ACMG Guidelines, 2015. Collection method: clinical testing. Allele origin: germline.

Labcorp Genetics (formerly Invitae), Labcorp
Classification: Uncertain significance for Autosomal recessive limb-girdle muscular dystrophy type 2E. Last evaluated: 2022-06-20. Review status: criteria provided, single submitter. Criteria: Invitae Variant Classification Sherloc (09022015). Collection method: clinical testing. Allele origin: germline.
Comment: This sequence change replaces alanine, which is neutral and non-polar, with glutamic acid, which is acidic and polar, at codon 5 of the SGCB protein (p.Ala5Glu). This variant is not present in population databases (gnomAD no frequency). This variant has not been reported in the literature in individuals affected with SGCB-related conditions. ClinVar contains an entry for this variant (Variation ID: 851258). Algorithms developed to predict the effect of missense changes on protein structure and function are either unavailable or do not agree on the potential impact of this missense change (SIFT: "Tolerated"; PolyPhen-2: "Not Available"; Align-GVGD: "Class C0"). In summary, the available evidence is currently insufficient to determine the role of this variant in disease. Therefore, it has been classified as a Variant of Uncertain Significance.

Natera, Inc.
Classification: Uncertain significance for Limb-girdle muscular dystrophy type 2E. Last evaluated: 2021-03-23. Review status: no assertion criteria provided. Collection method: clinical testing. Allele origin: germline. Not counted in ClinVar's aggregate classification.

NM_000232.5(SGCB):c.14C>A (p.Ala5Glu)

Genes: SGCB (sarcoglycan beta; minus strand), LOC129992585 (ATAC-STARR-seq lymphoblastoid silent region 15421; plus strand). Cytogenetic location: 4q12.
Variant type: single nucleotide variant.
Coding change: c.14C>A on transcript NM_000232.5 (MANE Select); coding-DNA position 14, C replaced by A.
Protein change: p.Ala5Glu; replaces alanine 5 with glutamic acid.
Molecular consequence: missense variant.
Genome position (GRCh38, 1-based): chr4:52,038,246, G>T on the plus strand (C>A on the coding strand, the complement: SGCB is on the minus strand). VCF-style: chr4-52038246-G-T. GRCh37 (hg19) VCF-style: chr4-52904412-G-T.
Other names: short protein forms A5E.
Identifiers: ClinVar variation 851258 (VCV000851258.11), dbSNP rs886158091, ClinGen allele CA96791683.